The following is an entry in ClinVar:

NM_138459.5(NUS1):c.307C>G (p.Leu103Val)

Gene: NUS1 (NUS1 dehydrodolichyl diphosphate synthase subunit; plus strand). Cytogenetic location: 6q22.1.
Variant type: single nucleotide variant.
Coding change: c.307C>G on transcript NM_138459.5 (MANE Select); coding-DNA position 307, C replaced by G.
Protein change: p.Leu103Val; replaces leucine 103 with valine.
Molecular consequence: missense variant.
Genome position (GRCh38, 1-based): chr6:117,675,977, C>G. VCF-style: chr6-117675977-C-G. GRCh37 (hg19) VCF-style: chr6-117997140-C-G.
Other names: short protein forms L103V.
Identifiers: ClinVar variation 2673078 (VCV002673078.26), dbSNP rs533893099, ClinGen allele CA3977085.
Genomic context (GRCh38, chr6:117,675,977, plus strand): 5'-CACCGGATGCGCTGGCGCGCGGACGGTCGTTCCTTGGAGAAGCTGCCTGTGCATATGGGC[C>G]TGGTGATCACCGAGGTGGAGCAGGAACCCAGCTTCTCGGACATCGCGAGCCTCGTGGTGT-3'
Protein context (NP_612468.1, residues 93-113): SLEKLPVHMG[Leu103Val]VITEVEQEPS

ClinVar aggregate classification (germline): Uncertain significance. Review status: criteria provided, multiple submitters, no conflicts (2 of 4 stars). 2 submissions from 2 submitters: Uncertain significance (2). Last evaluated 2023-11-01.

Conditions:
Congenital disorder of glycosylation, type Iaa. Also called: Congenital disorder of glycosylation, type 1aa. Identifiers: MedGen C4310727, MONDO:0014904, OMIM 617082.

Allele frequency attached by ClinVar (database versions not stated): gnomAD exomes 0.00002; gnomAD 0.00003; 1000 Genomes Project 30x 0.00031; 1000 Genomes Project 0.00040.
gnomAD v4.1: 37 of 1,549,424 alleles (0.0024%); highest among the groups gnomAD compares: South Asian, 0.036%; no homozygotes.

Submissions (2):

CeGaT Center for Human Genetics Tuebingen
Classification: Uncertain significance. Last evaluated: 2023-11-01. Review status: criteria provided, single submitter. Criteria: CeGaT Center For Human Genetics Tuebingen Variant Classification Criteria Version 2. Collection method: clinical testing. Allele origin: germline. Affected: yes. Observed: 1 variant allele.
Comment: NUS1: PM2, PP2

Labcorp Genetics (formerly Invitae), Labcorp
Classification: Uncertain significance for Congenital disorder of glycosylation, type Iaa. Last evaluated: 2023-05-31. Review status: criteria provided, single submitter. Criteria: Invitae Variant Classification Sherloc (09022015). Collection method: clinical testing. Allele origin: germline.
Comment: In summary, the available evidence is currently insufficient to determine the role of this variant in disease. Therefore, it has been classified as a Variant of Uncertain Significance. This variant disrupts the p.Leu103 amino acid residue in NUS1. Other variant(s) that disrupt this residue have been determined to be pathogenic (Invitae). This suggests that this residue is clinically significant, and that variants that disrupt this residue are likely to be disease-causing. An algorithm developed to predict the effect of missense changes on protein structure and function (PolyPhen-2) suggests that this variant is likely to be disruptive. This variant has not been reported in the literature in individuals affected with NUS1-related conditions. This variant is present in population databases (rs533893099, gnomAD 0.03%). This sequence change replaces leucine, which is neutral and non-polar, with valine, which is neutral and non-polar, at codon 103 of the NUS1 protein (p.Leu103Val).